The following is an entry in ClinVar:

ClinVar aggregate classification (germline): Uncertain significance. Review status: criteria provided, multiple submitters, no conflicts (2 of 4 stars). 2 submissions from 2 submitters: Uncertain significance (2). Last evaluated 2025-06-21.

Conditions:
Inborn genetic diseases. Identifiers: MedGen C0950123, MeSH D030342.

Allele frequency attached by ClinVar (database versions not stated): gnomAD 0.00003.

Submissions (2):

Mayo Clinic Laboratories, Mayo Clinic
Classification: Uncertain significance. Last evaluated: 2025-06-21. Review status: criteria provided, single submitter. Criteria: ACMG Guidelines, 2015. Collection method: clinical testing. Allele origin: germline. Observed: 1 variant allele.
Comment: BP4, PM2_supporting

Ambry Genetics
Classification: Uncertain significance for Inborn genetic diseases. Last evaluated: 2022-11-07. Review status: criteria provided, single submitter. Criteria: Ambry Variant Classification Scheme 2023. Collection method: clinical testing. Allele origin: germline.

NM_003647.3(DGKE):c.1193C>G (p.Ser398Cys)

Gene: DGKE (diacylglycerol kinase epsilon; plus strand). Cytogenetic location: 17q22.
Variant type: single nucleotide variant.
Coding change: c.1193C>G on transcript NM_003647.3 (MANE Select); coding-DNA position 1193, C replaced by G.
Protein change: p.Ser398Cys; replaces serine 398 with cysteine.
Molecular consequence: missense variant.
Genome position (GRCh38, 1-based): chr17:56,856,606, C>G. VCF-style: chr17-56856606-C-G. GRCh37 (hg19) VCF-style: chr17-54933967-C-G.
Other names: p.Ser398Cys; short protein forms S398C.
Identifiers: ClinVar variation 2397574 (VCV002397574.3), dbSNP rs1027342110, ClinGen allele CA291877807.